The following is an entry in ClinVar:

NM_000355.4(TCN2):c.810G>T (p.Ala270=)

Gene: TCN2 (transcobalamin 2; plus strand). Cytogenetic location: 22q12.2.
Variant type: single nucleotide variant.
Coding change: c.810G>T on transcript NM_000355.4 (MANE Select); coding-DNA position 810, G replaced by T.
Protein change: p.Ala270=; no amino-acid change (alanine 270 retained).
Molecular consequence: synonymous variant.
Genome position (GRCh38, 1-based): chr22:30,615,657, G>T. VCF-style: chr22-30615657-G-T. GRCh37 (hg19) VCF-style: chr22-31011644-G-T.
Other names: c.729G>T, p.Ala243= (NM_001184726.2).
Identifiers: ClinVar variation 341202 (VCV000341202.18), dbSNP rs61748898, ClinGen allele CA10184856.

ClinVar aggregate classification (germline): Conflicting classifications of pathogenicity. Review status: criteria provided, conflicting classifications (1 of 4 stars). 4 submissions from 4 submitters: Uncertain significance (1); Likely benign (3). Last evaluated 2026-01-26.

Conditions:
TCN2-related disorder. Also called: TCN2-related condition.
Transcobalamin II deficiency (TCN2D). Also called: TC II DEFICIENCY; TCN2 DEFICIENCY; Transcolabamin II deficiency. Identifiers: Orphanet 859, MedGen C0342701, MONDO:0010149, OMIM 275350.

Allele frequency attached by ClinVar (database versions not stated): TOPMed 0.00012.
gnomAD v4.1: 237 of 1,614,076 alleles (0.015%); highest among the groups gnomAD compares: Non-Finnish European, 0.019%; no homozygotes.

Submissions (4):

Labcorp Genetics (formerly Invitae), Labcorp
Classification: Likely benign for Transcobalamin II deficiency. Last evaluated: 2026-01-26. Review status: criteria provided, single submitter. Criteria: Invitae Variant Classification Sherloc (09022015). Collection method: clinical testing. Allele origin: germline.

PreventionGenetics, part of Exact Sciences
Classification: Likely benign for TCN2-related condition. Last evaluated: 2025-12-15. Review status: criteria provided, single submitter. Criteria: ACMG Guidelines, 2015. Collection method: clinical testing. Allele origin: germline.
Comment: This variant is classified as likely benign based on ACMG/AMP sequence variant interpretation guidelines (Richards et al. 2015 PMID: 25741868, with internal and published modifications).

Blueprint Genetics
Classification: Likely benign. Last evaluated: 2024-09-11. Review status: criteria provided, single submitter. Criteria: ACMG Guidelines, 2015. Collection method: clinical testing. Allele origin: germline.

Illumina Laboratory Services, Illumina
Classification: Uncertain significance for Transcobalamin II deficiency. Last evaluated: 2018-01-12. Review status: criteria provided, single submitter. Criteria: ICSL Variant Classification Criteria 13 December 2019. Collection method: clinical testing. Allele origin: germline.